The following is an entry in ClinVar:

NM_001080467.3(MYO5B):c.5071G>A (p.Ala1691Thr)

Genes: MYO5B (myosin VB; minus strand), SNHG22 (small nucleolar RNA host gene 22; plus strand). Cytogenetic location: 18q21.1.
Variant type: single nucleotide variant.
Coding change: c.5071G>A on transcript NM_001080467.3 (MANE Select); coding-DNA position 5071, G replaced by A.
Protein change: p.Ala1691Thr; replaces alanine 1691 with threonine.
Molecular consequence: missense variant.
Genome position (GRCh38, 1-based): chr18:49,837,584, C>T on the plus strand (G>A on the coding strand, the complement: MYO5B is on the minus strand). VCF-style: chr18-49837584-C-T. GRCh37 (hg19) VCF-style: chr18-47363954-C-T.
Other names: c.5071G>A (NM_001080467.2); short protein forms A1691T.
Identifiers: ClinVar variation 1941270 (VCV001941270.7), dbSNP rs1314742226, ClinGen allele CA402421442.

ClinVar aggregate classification (germline): Uncertain significance. Review status: criteria provided, single submitter (1 of 4 stars). 2 submissions from 2 submitters: Uncertain significance (1). 1 of the submissions does not count toward it. Last evaluated 2022-07-03.

Conditions:
MYO5B-related disorder. Also called: MYO5B-related condition.

Allele frequency attached by ClinVar (database versions not stated): gnomAD exomes 0.00001; TOPMed 0.00003; gnomAD 0.00004.
gnomAD v4.1: 18 of 1,613,838 alleles (0.0011%); highest among the groups gnomAD compares: South Asian, 0.0066%; no homozygotes.

Submissions (2):

Labcorp Genetics (formerly Invitae), Labcorp
Classification: Uncertain significance. Last evaluated: 2022-07-03. Review status: criteria provided, single submitter. Criteria: Invitae Variant Classification Sherloc (09022015). Collection method: clinical testing. Allele origin: germline.
Comment: In summary, the available evidence is currently insufficient to determine the role of this variant in disease. Therefore, it has been classified as a Variant of Uncertain Significance. Algorithms developed to predict the effect of missense changes on protein structure and function are either unavailable or do not agree on the potential impact of this missense change (SIFT: "Deleterious"; PolyPhen-2: "Probably Damaging"; Align-GVGD: "Class C0"). This variant has not been reported in the literature in individuals affected with MYO5B-related conditions. The frequency data for this variant in the population databases is considered unreliable, as metrics indicate poor data quality at this position in the gnomAD database. This sequence change replaces alanine, which is neutral and non-polar, with threonine, which is neutral and polar, at codon 1691 of the MYO5B protein (p.Ala1691Thr).

PreventionGenetics, part of Exact Sciences
Classification: Uncertain significance for MYO5B-related condition. Last evaluated: 2023-12-09. Review status: no assertion criteria provided. Collection method: clinical testing. Allele origin: germline. Not counted in ClinVar's aggregate classification.
Comment: The MYO5B c.5071G>A variant is predicted to result in the amino acid substitution p.Ala1691Thr. To our knowledge, this variant has not been reported in the literature. This variant is reported in 0.0033% of alleles in individuals of South Asian descent in gnomAD. At this time, the clinical significance of this variant is uncertain due to the absence of conclusive functional and genetic evidence.